The following is an entry in ClinVar:

NM_001458.5(FLNC):c.6307A>G (p.Thr2103Ala)

Genes: FLNC (filamin C; plus strand), FLNC-AS1 (FLNC antisense RNA 1; minus strand). Cytogenetic location: 7q32.1.
Variant type: single nucleotide variant.
Coding change: c.6307A>G on transcript NM_001458.5 (MANE Select); coding-DNA position 6307, A replaced by G.
Protein change: p.Thr2103Ala; replaces threonine 2103 with alanine.
Molecular consequence: missense variant.
Genome position (GRCh38, 1-based): chr7:128,853,567, A>G. VCF-style: chr7-128853567-A-G. GRCh37 (hg19) VCF-style: chr7-128493621-A-G.
Other names: c.6208A>G, p.Thr2070Ala (NM_001127487.2); short protein forms T2070A, T2103A.
Identifiers: ClinVar variation 2929436 (VCV002929436.3), dbSNP rs2536662205, ClinGen allele CA369212130.

ClinVar aggregate classification (germline): Uncertain significance (1 of 4 stars; one submission).

Conditions:
Hypertrophic cardiomyopathy 26. Also called: Cardiomyopathy, familial hypertrophic, 26. Identifiers: Orphanet 75249, MedGen C4310749, MONDO:0014883, OMIM 617047.
Myofibrillar myopathy 5. Also called: Filaminopathy (type); FILAMINOPATHY, AUTOSOMAL DOMINANT. Identifiers: Orphanet 171445, MedGen C1836050, MONDO:0012289, OMIM 609524.
Distal myopathy with posterior leg and anterior hand involvement. Also called: WILLIAMS DISTAL MYOPATHY. Identifiers: Orphanet 63273, MedGen C3279722, MONDO:0013550, OMIM 614065.

Allele frequency attached by ClinVar (database versions not stated): gnomAD exomes below 0.00001.
gnomAD v4.1: 1 of 1,614,094 alleles (0.000062%); highest among the groups gnomAD compares: Non-Finnish European, 0.000085%; no homozygotes.

Submission:

Labcorp Genetics (formerly Invitae), Labcorp
Classification: Uncertain significance for Distal myopathy with posterior leg and anterior hand involvement; Myofibrillar myopathy 5; Hypertrophic cardiomyopathy 26. Last evaluated: 2025-05-15. Review status: criteria provided, single submitter. Criteria: Invitae Variant Classification Sherloc (09022015). Collection method: clinical testing. Allele origin: germline.
Comment: This sequence change replaces threonine, which is neutral and polar, with alanine, which is neutral and non-polar, at codon 2103 of the FLNC protein (p.Thr2103Ala). This variant is not present in population databases (gnomAD no frequency). This variant has not been reported in the literature in individuals affected with FLNC-related conditions. ClinVar contains an entry for this variant (Variation ID: 2929436). Invitae Evidence Modeling of protein sequence and biophysical properties (such as structural, functional, and spatial information, amino acid conservation, physicochemical variation, residue mobility, and thermodynamic stability) has been performed for this missense variant. However, the output from this modeling did not meet the statistical confidence thresholds required to predict the impact of this variant on FLNC protein function. In summary, the available evidence is currently insufficient to determine the role of this variant in disease. Therefore, it has been classified as a Variant of Uncertain Significance.